The following is an entry in ClinVar:

NM_030813.6(CLPB):c.688T>C (p.Trp230Arg)

Gene: CLPB (ClpB family mitochondrial disaggregase; minus strand). Cytogenetic location: 11q13.4.
Variant type: single nucleotide variant.
Coding change: c.688T>C on transcript NM_030813.6 (MANE Plus Clinical); coding-DNA position 688, T replaced by C.
Protein change: p.Trp230Arg; replaces tryptophan 230 with arginine.
Molecular consequence: missense variant. On other transcripts: intron variant (2).
Genome position (GRCh38, 1-based): chr11:72,372,973, A>G on the plus strand (T>C on the coding strand, the complement: CLPB is on the minus strand). VCF-style: chr11-72372973-A-G. GRCh37 (hg19) VCF-style: chr11-72084017-A-G.
Other names: c.553T>C, p.Trp185Arg (NM_001258394.3); c.559+7308T>C (NM_001258393.3); c.646+7308T>C (NM_001258392.3); short protein forms W185R, W230R.
Identifiers: ClinVar variation 1426194 (VCV001426194.13), dbSNP rs749611577, ClinGen allele CA6171472.
Genomic context (GRCh38, chr11:72,372,973, plus strand): 5'-CAGTTCCATTACCGCCAGCGGGGAGTCCTAGCCATCTCCTGAACTCCAGGGCACTTGTCC[A>G]CTGGTTTGTGATGTGCCGGCTTGCACCGTCCTGTCCCCCATCTGAAGACACAGAGATGGG-3'
Protein context (NP_110440.1, residues 220-240): DGASRHITNQ[Trp230Arg]TSALEFRRWL

ClinVar aggregate classification (germline): Uncertain significance. Review status: criteria provided, multiple submitters, no conflicts (2 of 4 stars). 2 submissions from 2 submitters: Uncertain significance (2). Last evaluated 2024-03-16.

Conditions:
3-methylglutaconic aciduria, type VIIB (MGCA7B). Also called: 3-methylglutaconic aciduria with cataracts, neurologic involvement and neutropenia; 3-methylglutaconic aciduria, type VII, with cataracts, neurologic involvement and neutropenia; CLPB Deficiency. Identifiers: Orphanet 445038, MedGen C5676893, MONDO:0014561, OMIM 616271.

Allele frequency attached by ClinVar (database versions not stated): gnomAD exomes 0.00001; ExAC 0.00002.
gnomAD v4.1: 15 of 1,614,028 alleles (0.00093%); highest among the groups gnomAD compares: South Asian, 0.014%; no homozygotes.

Submissions (2):

Labcorp Genetics (formerly Invitae), Labcorp
Classification: Uncertain significance for 3-methylglutaconic aciduria, type VIIB. Last evaluated: 2024-03-16. Review status: criteria provided, single submitter. Criteria: Invitae Variant Classification Sherloc (09022015). Collection method: clinical testing. Allele origin: germline.
Comment: This sequence change replaces tryptophan, which is neutral and slightly polar, with arginine, which is basic and polar, at codon 230 of the CLPB protein (p.Trp230Arg). This variant is present in population databases (rs749611577, gnomAD 0.01%). This variant has not been reported in the literature in individuals affected with CLPB-related conditions. ClinVar contains an entry for this variant (Variation ID: 1426194). An algorithm developed to predict the effect of missense changes on protein structure and function (PolyPhen-2) suggests that this variant is likely to be disruptive. In summary, the available evidence is currently insufficient to determine the role of this variant in disease. Therefore, it has been classified as a Variant of Uncertain Significance.

Revvity Omics, Revvity
Classification: Uncertain significance. Last evaluated: 2023-10-04. Review status: criteria provided, single submitter. Criteria: ACMG Guidelines, 2015. Collection method: clinical testing. Allele origin: germline.